The following is an entry in ClinVar:

NM_020822.3(KCNT1):c.1651C>T (p.Arg551Cys)

Gene: KCNT1 (potassium sodium-activated channel subfamily T member 1; plus strand). Cytogenetic location: 9q34.3.
Variant type: single nucleotide variant.
Coding change: c.1651C>T on transcript NM_020822.3 (MANE Select); coding-DNA position 1651, C replaced by T.
Protein change: p.Arg551Cys; replaces arginine 551 with cysteine.
Molecular consequence: missense variant.
Genome position (GRCh38, 1-based): chr9:135,770,329, C>T. VCF-style: chr9-135770329-C-T. GRCh37 (hg19) VCF-style: chr9-138662175-C-T.
Other names: c.1516C>T, p.Arg506Cys (NM_001272003.2); short protein forms R551C, R506C.
Identifiers: ClinVar variation 1473954 (VCV001473954.9), dbSNP rs749316999, ClinGen allele CA5327017.
Genomic context (GRCh38, chr9:135,770,329, plus strand): 5'-CGCTCCCCTGGCCCCGCCCTGGCCCACAGGGAGGGACAGGAGTCTCCGGAGCAGTGGCAG[C>T]GCATGTATGGGCGCTGCTCCGGCAACGAGGTGTACCACATCCGCATGGGTGACAGCAAGT-3'
Protein context (NP_065873.2, residues 541-561): EGQESPEQWQ[Arg551Cys]MYGRCSGNEV

ClinVar aggregate classification (germline): Uncertain significance. Review status: criteria provided, multiple submitters, no conflicts (2 of 4 stars). 2 submissions from 2 submitters: Uncertain significance (2). Last evaluated 2022-09-16.

Conditions:
Autosomal dominant nocturnal frontal lobe epilepsy 5. Also called: KCNT1-Related Epilepsy; Epilepsy, nocturnal frontal lobe, 5; CILIARY DYSKINESIA, PRIMARY, 28, WITHOUT SITUS INVERSUS; CILIARY DYSKINESIA, PRIMARY, 28, WITH SITUS INVERSUS. Identifiers: Orphanet 98784, MedGen C3554306, MONDO:0014002, OMIM 615005.
Developmental and epileptic encephalopathy, 14 (DEE14). Also called: Early infantile epileptic encephalopathy 14. Identifiers: Orphanet 293181, MedGen C3554195, MONDO:0013989, OMIM 614959.

Allele frequency attached by ClinVar (database versions not stated): gnomAD exomes below 0.00001; ExAC 0.00002.
gnomAD v4.1: 5 of 1,610,446 alleles (0.00031%); highest among the groups gnomAD compares: Non-Finnish European, 0.00017%; no homozygotes.

Submissions (2):

Illumina Laboratory Services, Illumina
Classification: Uncertain significance. Last evaluated: 2022-09-16. Review status: criteria provided, single submitter. Criteria: ICSL CNVClassificationCriteria Aug2020. Collection method: clinical testing. Allele origin: unknown. Affected: yes.
Comment: The KCNT1 c.1651C>T (p.Arg551Cys) missense results in the substitution of arginine at amino acid position 551 with cysteine. To our knowledge, this variant has not been reported in the peer-reviewed literature. The c.1651C>T variant is reported in two alleles at a frequency of 0.000018 in the European (non-Finnish) population of the Genome Aggregation Database (version 2.1.1). Based on available evidence, the c.1651C>T (p.Arg551Cys) variant is classified as a variant of unknown significance for KCNT1-related epilepsy.

Labcorp Genetics (formerly Invitae), Labcorp
Classification: Uncertain significance for Autosomal dominant nocturnal frontal lobe epilepsy 5; Developmental and epileptic encephalopathy, 14. Last evaluated: 2022-02-23. Review status: criteria provided, single submitter. Criteria: Invitae Variant Classification Sherloc (09022015). Collection method: clinical testing. Allele origin: germline.
Comment: This sequence change replaces arginine, which is basic and polar, with cysteine, which is neutral and slightly polar, at codon 551 of the KCNT1 protein (p.Arg551Cys). In summary, the available evidence is currently insufficient to determine the role of this variant in disease. Therefore, it has been classified as a Variant of Uncertain Significance. Advanced modeling of protein sequence and biophysical properties (such as structural, functional, and spatial information, amino acid conservation, physicochemical variation, residue mobility, and thermodynamic stability) performed at Invitae indicates that this missense variant is expected to disrupt KCNT1 protein function. This variant has not been reported in the literature in individuals affected with KCNT1-related conditions. The frequency data for this variant in the population databases is considered unreliable, as metrics indicate poor data quality at this position in the gnomAD database.